The following is an entry in ClinVar:

ClinVar aggregate classification (germline): Benign. Review status: criteria provided, multiple submitters, no conflicts (2 of 4 stars). 7 submissions from 6 submitters: Benign (7). Last evaluated 2026-02-01.

Conditions:
Frontonasal dysplasia with alopecia and genital anomaly. Identifiers: Orphanet 228390, MedGen C3150703, MONDO:0013268, OMIM 613451.
Parietal foramina 2 (PFM2). Identifiers: Orphanet 60015, MedGen C1865044, MONDO:0012309, OMIM 609597.

Allele frequency attached by ClinVar (database versions not stated): 1000 Genomes Project 30x 0.35759; 1000 Genomes Project 0.35843; ExAC 0.36183; gnomAD exomes 0.37324 and 0.35049; gnomAD 0.29957 and 0.30635; TOPMed 0.31206; ESP Exome Variant Server 0.27461.
gnomAD v4.1: 558,561 of 1,612,836 alleles (35%); highest among the groups gnomAD compares: Admixed American, 53%; 101,373 homozygotes.

Submissions (7):

Labcorp Genetics (formerly Invitae), Labcorp
Classification: Benign. Last evaluated: 2026-02-01. Review status: criteria provided, single submitter. Criteria: Invitae Variant Classification Sherloc (09022015). Collection method: clinical testing. Allele origin: germline.

Blueprint Genetics
Classification: Benign. Last evaluated: 2024-11-27. Review status: criteria provided, single submitter. Criteria: ACMG Guidelines, 2015. Collection method: clinical testing. Allele origin: germline.

Genome-Nilou Lab
Classification: Benign for Frontonasal dysplasia with alopecia and genital anomaly. Last evaluated: 2021-07-14. Review status: criteria provided, single submitter. Criteria: ACMG Guidelines, 2015. Collection method: clinical testing. Allele origin: germline. Affected: no.

Genome-Nilou Lab
Classification: Benign for Parietal foramina 2. Last evaluated: 2021-07-14. Review status: criteria provided, single submitter. Criteria: ACMG Guidelines, 2015. Collection method: clinical testing. Allele origin: germline. Affected: no.

GeneDx
Classification: Benign. Last evaluated: 2018-11-01. Review status: criteria provided, single submitter. Criteria: GeneDx Variant Classification Process June 2021. Collection method: clinical testing. Allele origin: germline. Affected: yes.

Illumina Laboratory Services, Illumina
Classification: Benign for Parietal foramina 2. Last evaluated: 2018-01-12. Review status: criteria provided, single submitter. Criteria: ICSL Variant Classification Criteria 13 December 2019. Collection method: clinical testing. Allele origin: germline.
Comment: This variant was observed in the ICSL laboratory as part of a predisposition screen in an ostensibly healthy population. It had not been previously curated by ICSL or reported in the Human Gene Mutation Database (HGMD: prior to June 1st, 2018), and was therefore a candidate for classification through an automated scoring system. Utilizing variant allele frequency, disease prevalence and penetrance estimates, and inheritance mode, an automated score was calculated to assess if this variant is too frequent to cause the disease. Based on the score and internal cut-off values, a variant classified as benign is not then subjected to further curation. The score for this variant resulted in a classification of benign for this disease.

Breakthrough Genomics
Classification: Benign. Review status: criteria provided, single submitter. Criteria: ACMG Guidelines, 2015. Collection method: not provided. Allele origin: germline. Inheritance: Autosomal recessive inheritance. Affected: yes.

NM_021926.4(ALX4):c.1074C>T (p.His358=)

Gene: ALX4 (ALX homeobox 4; minus strand). Cytogenetic location: 11p11.2.
Variant type: single nucleotide variant.
Coding change: c.1074C>T on transcript NM_021926.4 (MANE Select); coding-DNA position 1074, C replaced by T.
Protein change: p.His358=; no amino-acid change (histidine 358 retained).
Molecular consequence: synonymous variant.
Genome position (GRCh38, 1-based): chr11:44,265,016, G>A on the plus strand (C>T on the coding strand, the complement: ALX4 is on the minus strand). VCF-style: chr11-44265016-G-A. GRCh37 (hg19) VCF-style: chr11-44286566-G-A.
Other names: c.1074C>T, p.His358= (LRG_1256t1).
Identifiers: ClinVar variation 304701 (VCV000304701.19), dbSNP rs3802805, ClinGen allele CA5955538.